The following is an entry in ClinVar:

NM_000090.4(COL3A1):c.3533del (p.Pro1178fs)

Gene: COL3A1 (collagen type III alpha 1 chain; plus strand). Cytogenetic location: 2q32.2.
Variant type: Deletion.
Coding change: c.3533del on transcript NM_000090.4 (MANE Select); coding-DNA position 3533, one base deleted (C; older notation c.3533delC).
Protein change: p.Pro1178fs; shifts the reading frame from proline 1178.
Molecular consequence: frameshift variant.
Genome position (GRCh38, 1-based): chr2:189,008,931, C deleted; the last of 4 consecutive C bases (chr2:189,008,928-189,008,931); deleting any one gives the same sequence. VCF-style (leftmost placement, unchanged base first): chr2-189008927-TC-T. GRCh37 (hg19) VCF-style: chr2-189873653-TC-T.
Other names: short protein forms P1178fs.
Identifiers: ClinVar variation 3348641 (VCV003348641.1).

ClinVar aggregate classification (germline): Likely pathogenic (0 of 4 stars; one submission).

Conditions:
COL3A1-related disorder. Also called: COL3A1-related condition.

Submission:

PreventionGenetics, part of Exact Sciences
Classification: Likely pathogenic for COL3A1-related condition. Last evaluated: 2024-03-25. Review status: no assertion criteria provided. Collection method: clinical testing. Allele origin: germline.
Comment: The COL3A1 c.3533delC variant is predicted to result in a frameshift and premature protein termination (p.Pro1178Glnfs*58). To our knowledge, this variant has not been reported in the literature or in a large population database, indicating this variant is rare. Frameshift variants in COL3A1 are expected to be pathogenic. This variant is interpreted as likely pathogenic.